The following is an entry in ClinVar:

ClinVar aggregate classification (germline): Conflicting classifications of pathogenicity. Review status: criteria provided, conflicting classifications (1 of 4 stars). 5 submissions from 4 submitters: Likely pathogenic (1); Uncertain significance (3). 1 of the submissions does not count toward it. Last evaluated 2026-01-13.

Conditions:
Idiopathic Pulmonary Fibrosis. Also called: Idiopathic fibrosing alveolitis, chronic form; idiopathic fibrosing alveolitis. Identifiers: Orphanet 2032, MedGen C1800706, MeSH D054990, MONDO:0800504.
Dyskeratosis congenita, autosomal dominant 2. Identifiers: MedGen C3151443, MONDO:0013521, OMIM 613989.
Dyskeratosis congenita. Identifiers: Orphanet 1775, MedGen C0265965, MONDO:0015780.
Pulmonary fibrosis. Identifiers: MedGen C0034069, MONDO:0002771, HP:0002206.
Pulmonary fibrosis and/or bone marrow failure, Telomere-related, 1. Also called: PULMONARY FIBROSIS AND/OR BONE MARROW FAILURE SYNDROME, TELOMERE-RELATED, 1. Identifiers: Orphanet 88, MedGen C3553617, MONDO:0013878, OMIM 614742.

Submissions (5):

Ambry Genetics
Classification: Uncertain significance for Dyskeratosis congenita. Last evaluated: 2026-01-13. Review status: criteria provided, single submitter. Criteria: Ambry Variant Classification Scheme 2023. Collection method: clinical testing. Allele origin: germline.
Comment: The c.1002_1004delCTC variant (also known as p.S335del) is located in coding exon 2 of the TERT gene. This variant results from an in-frame CTC deletion at nucleotide positions 1002 to 1004. This results in the in-frame deletion of a serine at codon 335. This variant was reported in individual(s) with features consistent with TERT-related disorder (Yamaguchi H et al. Int J Hematol, 2015 Nov;102:544-52; Newton CA et al. Eur Respir J, 2016 Dec;48:1710-1720). This amino acid position is not well conserved in available vertebrate species. This amino acid position is not well conserved in available vertebrate species. Based on the available evidence, the clinical significance of this variant remains unclear.

Labcorp Genetics (formerly Invitae), Labcorp
Classification: Uncertain significance for Dyskeratosis congenita, autosomal dominant 2; Idiopathic Pulmonary Fibrosis. Last evaluated: 2024-06-29. Review status: criteria provided, single submitter. Criteria: Invitae Variant Classification Sherloc (09022015). Collection method: clinical testing. Allele origin: germline.
Comment: This variant, c.1002_1004del, results in the deletion of 1 amino acid(s) of the TERT protein (p.Ser335del), but otherwise preserves the integrity of the reading frame. This variant is not present in population databases (gnomAD no frequency). This variant has been observed in individual(s) with clinical features of dyskeratosis congenita (PMID: 26329388, 28102861). ClinVar contains an entry for this variant (Variation ID: 639452). Experimental studies and prediction algorithms are not available or were not evaluated, and the functional significance of this variant is currently unknown. In summary, the available evidence is currently insufficient to determine the role of this variant in disease. Therefore, it has been classified as a Variant of Uncertain Significance.

Baylor Genetics
Classification: Uncertain significance for Dyskeratosis congenita, autosomal dominant 2. Last evaluated: 2023-11-10. Review status: criteria provided, single submitter. Criteria: ACMG Guidelines, 2015. Collection method: clinical testing. Allele origin: unknown.

Garcia Pulmonary Genetics Research Laboratory, Columbia University Irving Medical Center
Classification: Likely pathogenic for Pulmonary fibrosis and/or bone marrow failure, Telomere-related, 1. Last evaluated: 2022-05-19. Review status: criteria provided, single submitter. Criteria: ACMG Guidelines, 2015. Collection method: research. Allele origin: germline. Affected: yes. Observed: 1 variant allele.

Garcia Pulmonary Genetics Research Laboratory, Columbia University Irving Medical Center
Classification: Likely risk allele for Pulmonary fibrosis. Last evaluated: 2022-06-09. Review status: no assertion criteria provided. Collection method: research. Allele origin: germline. Affected: yes. Not counted in ClinVar's aggregate classification.
Comment: Leukocyte telomere length (by qPCR) less than 10th percentile age-adjusted

Literature cited by the submitters: PubMed 26329388 (cited by Ambry Genetics and Labcorp Genetics (formerly Invitae), Labcorp); PubMed 27540018 (cited by Ambry Genetics); PubMed 28102861 (cited by Labcorp Genetics (formerly Invitae), Labcorp).

NM_198253.3(TERT):c.999CTC[1] (p.Ser335del)

Gene: TERT (telomerase reverse transcriptase; minus strand). Cytogenetic location: 5p15.33.
Variant type: Microsatellite.
Coding change: c.999CTC[1] on transcript NM_198253.3 (MANE Select); one copy of the 3-base unit CTC starting at c.999; the reference has two copies in a row; one copy, 3 bases deleted; also written c.1002_1004del.
Protein change: p.Ser335del; deletes serine 335.
Molecular consequence: inframe deletion. On other transcripts: non-coding transcript variant (2).
Genome position (GRCh38, 1-based): chr5:1,293,882-1,293,884, GAG deleted on the plus strand (CTC on the coding strand, the reverse complement: TERT is on the minus strand); deleting any 3 consecutive bases within chr5:1,293,882-1,293,887 gives the same sequence; the position shown is the placement nearest the transcript's 3' end. VCF-style (leftmost placement, unchanged base first): chr5-1293881-TGAG-T. GRCh37 (hg19) VCF-style: chr5-1293996-TGAG-T.
Other names: p.Ser335del; c.1002_1004del (NM_198253.3); c.1002_1004delCTC (NM_198253.2, NM_198253.3); c.999CTC[1], p.Ser335del (NM_001193376.3); short protein forms S335del.
Identifiers: ClinVar variation 639452 (VCV000639452.46), dbSNP rs1170942980, ClinGen allele CA803699543.